The following is an entry in ClinVar:

NM_012434.5(SLC17A5):c.1160G>C (p.Cys387Ser)

Gene: SLC17A5 (solute carrier family 17 member 5; minus strand). Cytogenetic location: 6q13.
Variant type: single nucleotide variant.
Coding change: c.1160G>C on transcript NM_012434.5 (MANE Select); coding-DNA position 1160, G replaced by C.
Protein change: p.Cys387Ser; replaces cysteine 387 with serine.
Molecular consequence: missense variant.
Genome position (GRCh38, 1-based): chr6:73,610,499, C>G on the plus strand (G>C on the coding strand, the complement: SLC17A5 is on the minus strand). VCF-style: chr6-73610499-C-G. GRCh37 (hg19) VCF-style: chr6-74320222-C-G.
Other names: c.929G>C, p.Cys310Ser (NM_001382629.1); c.1160G>C, p.Cys387Ser (NM_001382630.1, NM_001382633.1); c.1181G>C, p.Cys394Ser (NM_001382631.1); c.1073G>C, p.Cys358Ser (NM_001382632.1); c.1001G>C, p.Cys334Ser (NM_001382634.1); c.1157G>C, p.Cys386Ser (NM_001382635.1); c.842G>C, p.Cys281Ser (NM_001382636.1); short protein forms C310S, C386S, C387S, C394S, C334S, C281S, C358S.
Identifiers: ClinVar variation 1478148 (VCV001478148.5), dbSNP rs373162864, ClinGen allele CA3890332.

ClinVar aggregate classification (germline): Uncertain significance (1 of 4 stars; one submission).

Conditions:
Salla disease (SD). Also called: Sialuria, Finnish type; N-acetylneuraminic acid (NANA) storage disease (NSD); Infantile sialic acid storage disorder (ISSD); Less Severe FSASD (Salla Disease). Identifiers: Orphanet 309334, Orphanet 834, MedGen C1096903, MONDO:0011449, OMIM 604369.

Allele frequency attached by ClinVar (database versions not stated): TOPMed 0.00003; ESP Exome Variant Server 0.00008; gnomAD exomes below 0.00001; ExAC 0.00001; gnomAD 0.00001.
gnomAD v4.1: 2 of 1,614,040 alleles (0.00012%); highest among the groups gnomAD compares: Admixed American, 0.0017%; no homozygotes.

Submission:

Labcorp Genetics (formerly Invitae), Labcorp
Classification: Uncertain significance for Salla disease. Last evaluated: 2022-06-20. Review status: criteria provided, single submitter. Criteria: Invitae Variant Classification Sherloc (09022015). Collection method: clinical testing. Allele origin: germline.
Comment: This sequence change replaces cysteine, which is neutral and slightly polar, with serine, which is neutral and polar, at codon 387 of the SLC17A5 protein (p.Cys387Ser). This variant is present in population databases (rs373162864, gnomAD 0.007%). This variant has not been reported in the literature in individuals affected with SLC17A5-related conditions. Algorithms developed to predict the effect of missense changes on protein structure and function are either unavailable or do not agree on the potential impact of this missense change (SIFT: "Deleterious"; PolyPhen-2: "Probably Damaging"; Align-GVGD: "Class C0"). In summary, the available evidence is currently insufficient to determine the role of this variant in disease. Therefore, it has been classified as a Variant of Uncertain Significance.